The following is an entry in ClinVar:

NM_004370.6(COL12A1):c.118A>G (p.Thr40Ala)

Gene: COL12A1 (collagen type XII alpha 1 chain; minus strand). Cytogenetic location: 6q13.
Variant type: single nucleotide variant.
Coding change: c.118A>G on transcript NM_004370.6 (MANE Select); coding-DNA position 118, A replaced by G.
Protein change: p.Thr40Ala; replaces threonine 40 with alanine.
Molecular consequence: missense variant. On other transcripts: intron variant (1).
Genome position (GRCh38, 1-based): chr6:75,194,903, T>C on the plus strand (A>G on the coding strand, the complement: COL12A1 is on the minus strand). VCF-style: chr6-75194903-T-C. GRCh37 (hg19) VCF-style: chr6-75904619-T-C.
Other names: c.73+7817A>G (NM_080645.3); short protein forms T40A.
Identifiers: ClinVar variation 658502 (VCV000658502.11), dbSNP rs201343487, ClinGen allele CA3894512.
Genomic context (GRCh38, chr6:75,194,903, plus strand): 5'-CCACCGTTATTCTGTAACCCACAATTGGATCAACTGGTTTTGCCCATGACATATGAACAG[T>C]ATTTTCATCTATAATTTTAAAATTCAAGTCTGAAGGTGGGTCAACTGCAAAAGAGAGAGT-3'
Protein context (NP_004361.3, residues 30-50): DLNFKIIDEN[Thr40Ala]VHMSWAKPVD

ClinVar aggregate classification (germline): Conflicting classifications of pathogenicity. Review status: criteria provided, conflicting classifications (1 of 4 stars). 4 submissions from 4 submitters: Uncertain significance (3); Likely benign (1). Last evaluated 2025-12-24.

Conditions:
Inborn genetic diseases. Identifiers: MedGen C0950123, MeSH D030342.
Ullrich congenital muscular dystrophy 2 (UCMD2). Identifiers: Orphanet 75840, MedGen C4225314, MONDO:0014654, OMIM 616470.
Bethlem myopathy 2 (BTHLM2). Identifiers: Orphanet 536516, Orphanet 610, MedGen C4225313, MONDO:0034022, OMIM 616471.

Allele frequency attached by ClinVar (database versions not stated): gnomAD 0.00001 and 0.00002; 1000 Genomes Project 0.00020; TOPMed 0.00003; gnomAD exomes 0.00007 and 0.00015; ExAC 0.00013; 1000 Genomes Project 30x 0.00016.
gnomAD v4.1: 44 of 1,609,754 alleles (0.0027%); highest among the groups gnomAD compares: Admixed American, 0.074%; no homozygotes.

Submissions (4):

Labcorp Genetics (formerly Invitae), Labcorp
Classification: Likely benign for Bethlem myopathy 2; Ullrich congenital muscular dystrophy 2. Last evaluated: 2025-12-24. Review status: criteria provided, single submitter. Criteria: Invitae Variant Classification Sherloc (09022015). Collection method: clinical testing. Allele origin: germline.

GeneDx
Classification: Uncertain significance. Last evaluated: 2022-09-09. Review status: criteria provided, single submitter. Criteria: GeneDx Variant Classification Process June 2021. Collection method: clinical testing. Allele origin: germline. Affected: yes.
Comment: In silico analysis supports that this missense variant does not alter protein structure/function; Has not been previously published as pathogenic or benign to our knowledge

Ambry Genetics
Classification: Uncertain significance for Inborn genetic diseases. Last evaluated: 2022-08-08. Review status: criteria provided, single submitter. Criteria: Ambry Variant Classification Scheme 2023. Collection method: clinical testing. Allele origin: germline.

Fulgent Genetics
Classification: Uncertain significance for Ullrich congenital muscular dystrophy 2; Bethlem myopathy 2. Last evaluated: 2022-04-11. Review status: criteria provided, single submitter. Criteria: ACMG Guidelines, 2015. Collection method: clinical testing. Allele origin: unknown.